The following is an entry in ClinVar:

NM_000090.4(COL3A1):c.4351G>C (p.Gly1451Arg)

Gene: COL3A1 (collagen type III alpha 1 chain; plus strand). Cytogenetic location: 2q32.2.
Variant type: single nucleotide variant.
Coding change: c.4351G>C on transcript NM_000090.4 (MANE Select); coding-DNA position 4351, G replaced by C.
Protein change: p.Gly1451Arg; replaces glycine 1451 with arginine.
Molecular consequence: missense variant.
Genome position (GRCh38, 1-based): chr2:189,011,724, G>C. VCF-style: chr2-189011724-G-C. GRCh37 (hg19) VCF-style: chr2-189876450-G-C.
Other names: short protein forms G1451R.
Identifiers: ClinVar variation 1045145 (VCV001045145.10), dbSNP rs1688731786, ClinGen allele CA349850401.

ClinVar aggregate classification (germline): Uncertain significance. Review status: criteria provided, multiple submitters, no conflicts (2 of 4 stars). 2 submissions from 2 submitters: Uncertain significance (2). Last evaluated 2024-05-30.

Conditions:
Ehlers-Danlos syndrome, type 4 (EDSVASC). Also called: Ehlers-Danlos syndrome vascular type; Ehlers Danlos syndrome, ecchymotic type; Ehlers Danlos syndrome, arterial type; Ehlers Danlos syndrome, Sack-Barabas type; Ehlers-Danlos Syndrome Type IV. Identifiers: Orphanet 286, MedGen C0268338, MONDO:0017314, OMIM 130050.

Submissions (2):

All of Us Research Program, National Institutes of Health
Classification: Uncertain significance for Ehlers-Danlos syndrome, type 4. Last evaluated: 2024-05-30. Review status: criteria provided, single submitter. Criteria: ACMG Guidelines, 2015. Collection method: clinical testing. Allele origin: germline. Inheritance: Autosomal dominant inheritance. Observed: 1 variant allele, 1 heterozygote.
Comment: This missense variant replaces glycine with arginine at codon 1451 of the COL3A1 protein. Computational prediction tools indicate that this variant's impact on protein structure and function is inconclusive. To our knowledge, functional studies have not been reported for this variant. This variant has not been reported in individuals affected with COL3A1-related disorders in the literature. This variant has not been identified in the general population by the Genome Aggregation Database (gnomAD). The available evidence is insufficient to determine the role of this variant in disease conclusively. Therefore, this variant is classified as a Variant of Uncertain Significance.

This study involves interpretation of variants in research participants for the purpose of population health screening. Participant phenotype was not available at the time of variant classification. Additional details can be found in publication PMID: 35346344, PMCID: PMC8962531

Labcorp Genetics (formerly Invitae), Labcorp
Classification: Uncertain significance for Ehlers-Danlos syndrome, type 4. Last evaluated: 2022-09-01. Review status: criteria provided, single submitter. Criteria: Invitae Variant Classification Sherloc (09022015). Collection method: clinical testing. Allele origin: germline.
Comment: ClinVar contains an entry for this variant (Variation ID: 1045145). Advanced modeling of protein sequence and biophysical properties (such as structural, functional, and spatial information, amino acid conservation, physicochemical variation, residue mobility, and thermodynamic stability) performed at Invitae indicates that this missense variant is not expected to disrupt COL3A1 protein function. In summary, the available evidence is currently insufficient to determine the role of this variant in disease. Therefore, it has been classified as a Variant of Uncertain Significance. This variant has not been reported in the literature in individuals affected with COL3A1-related conditions. This variant is not present in population databases (gnomAD no frequency). This sequence change replaces glycine, which is neutral and non-polar, with arginine, which is basic and polar, at codon 1451 of the COL3A1 protein (p.Gly1451Arg).